The following is an entry in ClinVar:

NM_145200.5(CABP4):c.739G>T (p.Glu247Ter)

Gene: CABP4 (calcium binding protein 4; plus strand). Cytogenetic location: 11q13.2.
Variant type: single nucleotide variant.
Coding change: c.739G>T on transcript NM_145200.5 (MANE Select); coding-DNA position 739, G replaced by T.
Protein change: p.Glu247Ter; replaces glutamic acid 247 with a stop codon.
Molecular consequence: nonsense. On other transcripts: non-coding transcript variant (1).
Genome position (GRCh38, 1-based): chr11:67,458,458, G>T. VCF-style: chr11-67458458-G-T. GRCh37 (hg19) VCF-style: chr11-67225929-G-T.
Other names: c.424G>T, p.Glu142Ter (NM_001300895.3, NM_001300896.3, NM_001379183.1); c.739G>T (NM_145200.3); short protein forms E142*, E247*.
Identifiers: ClinVar variation 1076898 (VCV001076898.8), dbSNP rs770830494, ClinGen allele CA6140335.

ClinVar aggregate classification (germline): Pathogenic/Likely pathogenic. Review status: criteria provided, multiple submitters, no conflicts (2 of 4 stars). 2 submissions from 2 submitters: Pathogenic (1); Likely pathogenic (1). Last evaluated 2026-09-02.

Conditions:
CABP4-related disorder. Also called: CABP4-related condition.

Allele frequency attached by ClinVar (database versions not stated): ExAC 0.00001; gnomAD exomes 0.00001; TOPMed 0.00004.
gnomAD v4.1: 3 of 1,613,970 alleles (0.00019%); highest among the groups gnomAD compares: Admixed American, 0.005%; no homozygotes.

Submissions (2):

PreventionGenetics, part of Exact Sciences
Classification: Likely pathogenic for CABP4-related condition. Last evaluated: 2026-09-02. Review status: criteria provided, single submitter. Criteria: ACMG Guidelines, 2015. Collection method: clinical testing. Allele origin: germline.
Comment: The CABP4 c.739G>T variant is predicted to result in premature protein termination (p.Glu247*). To our knowledge, this variant has not been previously reported in the literature in association with disease. This variant is reported in 0.0087% of alleles in individuals of Latino descent in gnomAD. Nonsense variants in CABP4 are expected to be pathogenic. This variant is interpreted as likely pathogenic.

Labcorp Genetics (formerly Invitae), Labcorp
Classification: Pathogenic. Last evaluated: 2022-11-22. Review status: criteria provided, single submitter. Criteria: Invitae Variant Classification Sherloc (09022015). Collection method: clinical testing. Allele origin: germline.
Comment: For these reasons, this variant has been classified as Pathogenic. ClinVar contains an entry for this variant (Variation ID: 1076898). This variant has not been reported in the literature in individuals affected with CABP4-related conditions. This variant is present in population databases (rs770830494, gnomAD 0.009%). This sequence change creates a premature translational stop signal (p.Glu247*) in the CABP4 gene. It is expected to result in an absent or disrupted protein product. Loss-of-function variants in CABP4 are known to be pathogenic (PMID: 25307992).

Literature cited by the submitters: PubMed 25307992 (cited by Labcorp Genetics (formerly Invitae), Labcorp).